The following is an entry in ClinVar:

NM_001365536.1(SCN9A):c.4775-1G>C

Genes: SCN1A-AS1 (SCN1A and SCN9A antisense RNA 1; plus strand), SCN9A (sodium voltage-gated channel alpha subunit 9; minus strand). Cytogenetic location: 2q24.3.
Variant type: single nucleotide variant.
Coding change: c.4775-1G>C on transcript NM_001365536.1 (MANE Select); the canonical splice acceptor site of the intron before coding-DNA position 4775, G replaced by C.
Molecular consequence: splice acceptor variant.
Genome position (GRCh38, 1-based): chr2:166,199,865, C>G on the plus strand (G>C on the coding strand, the complement: SCN9A is on the minus strand). VCF-style: chr2-166199865-C-G. GRCh37 (hg19) VCF-style: chr2-167056375-C-G.
Other names: c.4742-1G>C (NM_002977.4).
Identifiers: ClinVar variation 2948214 (VCV002948214.3), dbSNP rs2468879852, ClinGen allele CA349056018.

ClinVar aggregate classification (germline): Uncertain significance (1 of 4 stars; one submission).

Conditions:
Neuropathy, hereditary sensory and autonomic, type 2A (HSAN2A). Also called: ACROOSTEOLYSIS, GIACCAI TYPE; ACROOSTEOLYSIS, NEUROGENIC; MORVAN DISEASE; NEUROPATHY, CONGENITAL SENSORY; NEUROPATHY, HEREDITARY SENSORY RADICULAR, AUTOSOMAL RECESSIVE; NEUROPATHY, HEREDITARY SENSORY, TYPE IIA. Identifiers: Orphanet 970, MedGen C2752089, MONDO:0024309, OMIM 201300.
Generalized epilepsy with febrile seizures plus, type 7 (GEFSP7). Also called: GEFS+, TYPE 7. Identifiers: Orphanet 36387, MedGen C2751778, MONDO:0013470, OMIM 613863.

Submission:

Labcorp Genetics (formerly Invitae), Labcorp
Classification: Uncertain significance for Neuropathy, hereditary sensory and autonomic, type 2A; Generalized epilepsy with febrile seizures plus, type 7. Last evaluated: 2023-05-25. Review status: criteria provided, single submitter. Criteria: Invitae Variant Classification Sherloc (09022015). Collection method: clinical testing. Allele origin: germline.
Comment: In summary, the available evidence is currently insufficient to determine the role of this variant in disease. Therefore, it has been classified as a Variant of Uncertain Significance. Variants that disrupt the consensus splice site are a relatively common cause of aberrant splicing (PMID: 17576681, 9536098). Algorithms developed to predict the effect of sequence changes on RNA splicing suggest that this variant may disrupt the consensus splice site. This variant has not been reported in the literature in individuals affected with SCN9A-related conditions. This variant is not present in population databases (gnomAD no frequency). This sequence change affects an acceptor splice site in intron 26 of the SCN9A gene. While this variant is not anticipated to result in nonsense mediated decay, it likely alters RNA splicing and results in a disrupted protein product.

Literature cited by the submitters: PubMed 17576681; PubMed 9536098.